The following is an entry in ClinVar:

ClinVar aggregate classification (germline): Pathogenic/Likely pathogenic. Review status: criteria provided, multiple submitters, no conflicts (2 of 4 stars). 2 submissions from 2 submitters: Pathogenic (1); Likely pathogenic (1). Last evaluated 2026-09-08.

Conditions:
Fabry disease. Also called: Fabry's disease; Angiokeratoma corporis diffusum; CERAMIDE TRIHEXOSIDASE DEFICIENCY; GLA DEFICIENCY; HEREDITARY DYSTOPIC LIPIDOSIS; ALPHA-GALACTOSIDASE A DEFICIENCY. Identifiers: Orphanet 324, MedGen C0002986, MONDO:0010526, OMIM 301500, HP:0001071. Disease mechanism: loss of function, Fabry disease is due to inactivating mutations in the X-linked GLA gene resulting in deficiency of the enzyme Alpha Galactosidase-A..

Submissions (3):

Genomenon, Inc
Classification: Likely pathogenic for Fabry disease. Last evaluated: 2026-09-08. Review status: criteria provided, single submitter. Criteria: Genomenon Sequence Variant Interpretation Standards - Updated. Collection method: curation. Allele origin: germline. Affected: yes.
Comment: GLA p.Asn298Lys (c.894T>A) is a missense variant that changes the amino acid at codon 298 from Asparagine to Lysine. This variant has been observed in at least one proband with clinical features consistent with Fabry disease (PMID:30834538;10916280). At least one functional study has demonstrated a substantial alteration in protein function relative to the wild-type (PMID:27657681). It is absent or not present at a significant frequency in gnomAD. In silico models predict that this variant is possibly or probably damaging. In conclusion, we classify GLA p.Asn298Lys (c.894T>A) as a likely pathogenic variant.

Women's Health and Genetics/Laboratory Corporation of America, LabCorp
Classification: Pathogenic for Fabry disease. Last evaluated: 2021-03-23. Review status: criteria provided, single submitter. Criteria: LabCorp Variant Classification Summary - May 2015. Collection method: clinical testing. Allele origin: germline.
Comment: Variant summary: GLA c.894T>A (p.Asn298Lys) results in a non-conservative amino acid change located in the Aldolase-type TIM barrel domain (IPR013785) of the encoded protein sequence. A different nucleotide change, namely c.894T>G that results in the same amino acid change, p.Asn298Lys has been reported in the HGMD and locus specific databases and in patients with Fabry disease. Five of five in-silico tools predict a damaging effect of the variant on protein function. The variant was absent in 183457 control chromosomes. Most ascertained publications do not specify the exact nucleotide change and are limited to reporting the underlying protein designation, namely p.Asn298Lys. Therefore, reports of patients with p.Asn298Lys, regardless of the specific nucleotide change were ascertained in the context of this evaluation. p.Asn298Lys (p.N298K) has been reported in the literature in individuals affected with Fabry Disease (example, Ashton-Prolla_2000, Sadick_2007, Cheung_2012, Boyd_2013, Sigmundsdottir_2014, Galanos_2002). These data indicate that the variant is likely to be associated with disease. At least two publications report experimental evidence evaluating an impact on protein function. The most pronounced variant effect results in <10% of normal alpha-galactosidase enzyme activity (example, Sadick_2007, Benjamin_2017). No clinical diagnostic laboratories have submitted clinical-significance assessments for this variant to ClinVar after 2014. Based on the evidence outlined above, the variant was classified as pathogenic.

Dr. Peter K. Rogan Lab, Western University
No classification provided (evidence only). Condition: Thyroid cancer, nonmedullary, 1. Review status: no classification provided. Collection method: in vitro. Allele origin: not applicable. Functional consequence: retained intron. Not counted in ClinVar's aggregate classification.

Literature cited by the submitters: PubMed 30834538 (cited by Genomenon, Inc); PubMed 10916280 (cited by Genomenon, Inc and Women's Health and Genetics/Laboratory Corporation of America, LabCorp); PubMed 27657681 (cited by Genomenon, Inc and Women's Health and Genetics/Laboratory Corporation of America, LabCorp); PubMed 15924232 (cited by Women's Health and Genetics/Laboratory Corporation of America, LabCorp); PubMed 8807334 (cited by Women's Health and Genetics/Laboratory Corporation of America, LabCorp); PubMed 25382311 (cited by Women's Health and Genetics/Laboratory Corporation of America, LabCorp); PubMed 24094560 (cited by Women's Health and Genetics/Laboratory Corporation of America, LabCorp); PubMed 23430946 (cited by Women's Health and Genetics/Laboratory Corporation of America, LabCorp); PubMed 25319043 (cited by Women's Health and Genetics/Laboratory Corporation of America, LabCorp); PubMed 17452128 (cited by Women's Health and Genetics/Laboratory Corporation of America, LabCorp); PubMed 12512750 (cited by Women's Health and Genetics/Laboratory Corporation of America, LabCorp).

NM_000169.3(GLA):c.894T>A (p.Asn298Lys)

Genes: RPL36A-HNRNPH2 (RPL36A-HNRNPH2 readthrough; plus strand), GLA (galactosidase alpha; minus strand). Cytogenetic location: Xq22.1.
Variant type: single nucleotide variant.
Coding change: c.894T>A on transcript NM_000169.3 (MANE Select); coding-DNA position 894, T replaced by A.
Protein change: p.Asn298Lys; replaces asparagine 298 with lysine.
Molecular consequence: missense variant. On other transcripts: non-coding transcript variant (3), intron variant (2).
Genome position (GRCh38, 1-based): chrX:101,398,475, A>T on the plus strand (T>A on the coding strand, the complement: GLA is on the minus strand). VCF-style: chrX-101398475-A-T. GRCh37 (hg19) VCF-style: chrX-100653463-A-T.
Other names: NC_000023.10:g.100653463A>T; c.1017T>A, p.Asn339Lys (NM_001406747.1); c.894T>A, p.Asn298Lys (NM_001406748.1); c.300+3018A>T (NM_001199973.2); c.177+6653A>T (NM_001199974.2); short protein forms N298K, N339K.
Identifiers: ClinVar variation 928732 (VCV000928732.5), dbSNP rs869312444, ClinGen allele CA413922319.
Genomic context (GRCh38, chrX:101,398,475, plus strand): 5'-GGCAATTACGTCCTTATCCTGAAGGAGAGCTTTGGCTTGAGGGCTGATGTGTCGGAGGTC[A>T]TTAGACATGAATAAAGGAGCAGCCATGATAGCCCAGAGGGCCATCTGAGTTACTTGCTGA-3'
Protein context (NP_000160.1, residues 288-308): AIMAAPLFMS[Asn298Lys]DLRHISPQAK